The following is an entry in ClinVar:

NM_000059.4(BRCA2):c.5625G>C (p.Lys1875Asn)

Gene: BRCA2 (BRCA2 DNA repair associated; plus strand). Cytogenetic location: 13q13.1.
Variant type: single nucleotide variant.
Coding change: c.5625G>C on transcript NM_000059.4 (MANE Select); coding-DNA position 5625, G replaced by C.
Protein change: p.Lys1875Asn; replaces lysine 1875 with asparagine.
Molecular consequence: missense variant.
Genome position (GRCh38, 1-based): chr13:32,339,980, G>C. VCF-style: chr13-32339980-G-C. GRCh37 (hg19) VCF-style: chr13-32914117-G-C.
Other names: short protein forms K1875N.
Identifiers: ClinVar variation 1511280 (VCV001511280.9), dbSNP rs1316343192, ClinGen allele CA387786113.
Genomic context (GRCh38, chr13:32,339,980, plus strand): 5'-ACATGAAACAATTAAAAAAGTGAAAGACATATTTACAGACAGTTTCAGTAAAGTAATTAA[G>C]GAAAACAACGAGAATAAATCAAAAATTTGCCAAACGAAAATTATGGCAGGTTGTTACGAG-3'
Protein context (NP_000050.3, residues 1865-1885): IFTDSFSKVI[Lys1875Asn]ENNENKSKIC

ClinVar aggregate classification (germline): Conflicting classifications of pathogenicity. Review status: criteria provided, conflicting classifications (1 of 4 stars). 2 submissions from 2 submitters: Uncertain significance (1); Likely benign (1). Last evaluated 2023-03-23.

Conditions:
Hereditary cancer-predisposing syndrome. Also called: Hereditary neoplastic syndrome; Neoplastic Syndromes, Hereditary; Tumor predisposition; Hereditary Cancer Syndrome. Identifiers: Orphanet 140162, MedGen C0027672, MeSH D009386, MONDO:0015356.
Hereditary breast ovarian cancer syndrome. Also called: BRCA1- and BRCA2-Associated Hereditary Breast and Ovarian Cancer; Hereditary breast and ovarian cancer; Hereditary breast and/or ovarian cancer syndrome; Hereditary breast and ovarian cancer syndrome (HBOC); Breast and ovarian cancer; Hereditary breast and ovarian cancer syndrome. Identifiers: Orphanet 145, MedGen C0677776, MeSH D061325, MONDO:0003582. Disease mechanism: loss of function.

Submissions (2):

University of Washington Department of Laboratory Medicine, University of Washington
Classification: Likely benign for Hereditary cancer-predisposing syndrome. Last evaluated: 2023-03-23. Review status: criteria provided, single submitter. Criteria: Dines et al. (Genet Med. 2020). Collection method: curation. Allele origin: germline.
Comment: Missense variant in a coldspot region where missense variants are very unlikely to be pathogenic (PMID:31911673).

BRCA2 exon 11 coldspot. Reclassification based on statistical prior probability.

Labcorp Genetics (formerly Invitae), Labcorp
Classification: Uncertain significance for Hereditary breast ovarian cancer syndrome. Last evaluated: 2020-12-23. Review status: criteria provided, single submitter. Criteria: Invitae Variant Classification Sherloc (09022015). Collection method: clinical testing. Allele origin: germline.
Comment: This variant has not been reported in the literature in individuals with BRCA2-related conditions. This variant is not present in population databases (ExAC no frequency). This sequence change replaces lysine with asparagine at codon 1875 of the BRCA2 protein (p.Lys1875Asn). The lysine residue is moderately conserved and there is a moderate physicochemical difference between lysine and asparagine. Advanced modeling of protein sequence and biophysical properties (such as structural, functional, and spatial information, amino acid conservation, physicochemical variation, residue mobility, and thermodynamic stability) performed at Invitae indicates that this missense variant is not expected to disrupt BRCA2 protein function. In summary, the available evidence is currently insufficient to determine the role of this variant in disease. Therefore, it has been classified as a Variant of Uncertain Significance.